The following is an entry in ClinVar:

NM_003954.5(MAP3K14):c.657G>C (p.Pro219=)

Gene: MAP3K14 (mitogen-activated protein kinase kinase kinase 14; minus strand). Cytogenetic location: 17q21.31.
Variant type: single nucleotide variant.
Coding change: c.657G>C on transcript NM_003954.5 (MANE Select); coding-DNA position 657, G replaced by C.
Protein change: p.Pro219=; no amino-acid change (proline 219 retained).
Molecular consequence: synonymous variant.
Genome position (GRCh38, 1-based): chr17:45,286,926, C>G on the plus strand (G>C on the coding strand, the complement: MAP3K14 is on the minus strand). VCF-style: chr17-45286926-C-G. GRCh37 (hg19) VCF-style: chr17-43364293-C-G.
Identifiers: ClinVar variation 4083948 (VCV004083948.8).
Genomic context (GRCh38, chr17:45,286,926, plus strand): 5'-CACGTGGTTCAGACATTGCAAGGGGCTGATCAGTTTGTGGAGTTCTGATCGAGGCAGAGC[C>G]GGCCGTAGGCCCTCGCCAAGCTGCTTAAAACAGAGTTGCCCAAGGCCTGGTTCCTTCAGA-3'
Protein context (NP_003945.2, residues 209-229): CFKQLGEGLR[Pro219=]ALPRSELHKL

ClinVar aggregate classification (germline): Likely benign (1 of 4 stars; one submission).

Submission:

CeGaT Center for Human Genetics Tuebingen
Classification: Likely benign. Last evaluated: 2025-06-01. Review status: criteria provided, single submitter. Criteria: CeGaT Center For Human Genetics Tuebingen Variant Classification Criteria Version 2. Collection method: clinical testing. Allele origin: germline. Affected: yes. Observed: 1 variant allele.
Comment: MAP3K14: PM2:Supporting, BP4, BP7